The following is an entry in ClinVar:

NM_000334.4(SCN4A):c.2045C>T (p.Ser682Leu)

Genes: GH-LCR (growth hormone locus control region; plus strand), SCN4A (sodium voltage-gated channel alpha subunit 4; minus strand). Cytogenetic location: 17q23.3.
Variant type: single nucleotide variant.
Coding change: c.2045C>T on transcript NM_000334.4 (MANE Select); coding-DNA position 2045, C replaced by T.
Protein change: p.Ser682Leu; replaces serine 682 with leucine.
Molecular consequence: missense variant.
Genome position (GRCh38, 1-based): chr17:63,957,493, G>A on the plus strand (C>T on the coding strand, the complement: SCN4A is on the minus strand). VCF-style: chr17-63957493-G-A. GRCh37 (hg19) VCF-style: chr17-62034853-G-A.
Other names: short protein forms S682L.
Identifiers: ClinVar variation 3438233 (VCV003438233.3).

ClinVar aggregate classification (germline): Uncertain significance. Review status: criteria provided, multiple submitters, no conflicts (2 of 4 stars). 3 submissions from 3 submitters: Uncertain significance (3). Last evaluated 2025-06-23.

Conditions:
Hyperkalemic periodic paralysis. Also called: Familial hyperkalemic periodic paralysis; Gamstorp disease. Identifiers: Orphanet 682, MedGen C0238357, MONDO:0008224, OMIM 170500, HP:0007215.
Inborn genetic diseases. Identifiers: MedGen C0950123, MeSH D030342.

gnomAD v4.1: 4 of 1,611,728 alleles (0.00025%); highest among the groups gnomAD compares: Non-Finnish European, 0.00034%; no homozygotes.

Submissions (3):

Labcorp Genetics (formerly Invitae), Labcorp
Classification: Uncertain significance for Hyperkalemic periodic paralysis. Last evaluated: 2025-06-23. Review status: criteria provided, single submitter. Criteria: Invitae Variant Classification Sherloc (09022015). Collection method: clinical testing. Allele origin: germline.
Comment: This sequence change replaces serine, which is neutral and polar, with leucine, which is neutral and non-polar, at codon 682 of the SCN4A protein (p.Ser682Leu). This variant is present in population databases (rs751368967, gnomAD 0.002%). This variant has not been reported in the literature in individuals affected with SCN4A-related conditions. ClinVar contains an entry for this variant (Variation ID: 3438233). Invitae Evidence Modeling of protein sequence and biophysical properties (such as structural, functional, and spatial information, amino acid conservation, physicochemical variation, residue mobility, and thermodynamic stability) indicates that this missense variant is expected to disrupt SCN4A protein function with a positive predictive value of 95%. In summary, the available evidence is currently insufficient to determine the role of this variant in disease. Therefore, it has been classified as a Variant of Uncertain Significance.

Ambry Genetics
Classification: Uncertain significance for Inborn genetic diseases. Last evaluated: 2024-07-14. Review status: criteria provided, single submitter. Criteria: Ambry Variant Classification Scheme 2023. Collection method: clinical testing. Allele origin: germline.

Revvity Omics, Revvity
Classification: Uncertain significance. Last evaluated: 2023-09-25. Review status: criteria provided, single submitter. Criteria: ACMG Guidelines, 2015. Collection method: clinical testing. Allele origin: germline.